The following is an entry in ClinVar:

NM_152564.5(VPS13B):c.4471C>T (p.Gln1491Ter)

Gene: VPS13B (vacuolar protein sorting 13 homolog B; plus strand). Cytogenetic location: 8q22.2.
Variant type: single nucleotide variant.
Coding change: c.4471C>T on transcript NM_152564.5 (MANE Select); coding-DNA position 4471, C replaced by T.
Protein change: p.Gln1491Ter; replaces glutamine 1491 with a stop codon.
Molecular consequence: nonsense.
Genome position (GRCh38, 1-based): chr8:99,511,350, C>T. VCF-style: chr8-99511350-C-T. GRCh37 (hg19) VCF-style: chr8-100523578-C-T.
Other names: c.4546C>T, p.Gln1516Ter (NM_017890.5); short protein forms Q1491*, Q1516*.
Identifiers: ClinVar variation 1726267 (VCV001726267.2), dbSNP rs2490522246, ClinGen allele CA371871703.

ClinVar aggregate classification (germline): Likely pathogenic (1 of 4 stars; one submission).

Conditions:
Cohen syndrome (COH1). Also called: PEPPER SYNDROME; Cutis verticis gyrata, retinitis pigmentosa, and sensorineural deafness. Identifiers: Orphanet 193, MedGen C0265223, MONDO:0008999, OMIM 216550.

Submission:

Myriad Genetics, Inc.
Classification: Likely pathogenic for Cohen syndrome. Last evaluated: 2022-05-18. Review status: criteria provided, single submitter. Criteria: Myriad Women's Health Autosomal Recessive and X-Linked Classification Criteria (2021). Collection method: clinical testing. Allele origin: unknown.
Comment: NM_017890.4(VPS13B):c.4546C>T(Q1516*) is expected to be pathogenic in the context of Cohen syndrome. This variant is predicted to lead to an abnormal or absent protein product due to the creation of a premature termination codon in VPS13B, a gene where loss-of-function variants are known to be pathogenic. Please note: this variant was assessed in the context of healthy population screening.